The following is an entry in ClinVar:

ClinVar aggregate classification (germline): Uncertain significance (1 of 4 stars; one submission).

Conditions:
EGFR-related lung cancer (EGFR). Identifiers: MedGen CN130014.

Submission:

Labcorp Genetics (formerly Invitae), Labcorp
Classification: Uncertain significance for EGFR-related lung cancer. Last evaluated: 2022-04-17. Review status: criteria provided, single submitter. Criteria: Invitae Variant Classification Sherloc (09022015). Collection method: clinical testing. Allele origin: germline.
Comment: This variant has not been reported in the literature in individuals affected with EGFR-related conditions. This variant is not present in population databases (gnomAD no frequency). This sequence change replaces isoleucine, which is neutral and non-polar, with valine, which is neutral and non-polar, at codon 365 of the EGFR protein (p.Ile365Val). In summary, the available evidence is currently insufficient to determine the role of this variant in disease. Therefore, it has been classified as a Variant of Uncertain Significance. Algorithms developed to predict the effect of missense changes on protein structure and function (SIFT, PolyPhen-2, Align-GVGD) all suggest that this variant is likely to be tolerated.

NM_005228.5(EGFR):c.1093A>G (p.Ile365Val)

Genes: EGFR (epidermal growth factor receptor; plus strand), LOC126860048 (P300/CBP strongly-dependent group 1 enhancer GRCh37_chr7:55223847-55225046; plus strand). Cytogenetic location: 7p11.2.
Variant type: single nucleotide variant.
Coding change: c.1093A>G on transcript NM_005228.5 (MANE Select); coding-DNA position 1093, A replaced by G.
Protein change: p.Ile365Val; replaces isoleucine 365 with valine.
Molecular consequence: missense variant.
Genome position (GRCh38, 1-based): chr7:55,156,619, A>G. VCF-style: chr7-55156619-A-G. GRCh37 (hg19) VCF-style: chr7-55224312-A-G.
Other names: c.958A>G, p.Ile320Val (NM_001346897.2, NM_001346899.2); c.1093A>G, p.Ile365Val (NM_001346898.2, NM_201282.2, NM_201283.2 and 1 more transcripts); c.934A>G, p.Ile312Val (NM_001346900.2); c.292A>G, p.Ile98Val (NM_001346941.2); short protein forms I320V, I365V, I98V, I312V.
Identifiers: ClinVar variation 2127103 (VCV002127103.4), dbSNP rs2128938354, ClinGen allele CA367578382.